The following is an entry in ClinVar:

ClinVar aggregate classification (germline): Uncertain significance (1 of 4 stars; one submission).

Conditions:
Xeroderma pigmentosum, group C (XPC). Also called: XERODERMA PIGMENTOSUM III; XP, GROUP C; Xeroderma pigmentosum, complementation group C; XPC-Related Xeroderma Pigmentosum. Identifiers: Orphanet 910, MedGen C2752147, MONDO:0010211, OMIM 278720.

Submission:

Myriad Genetics, Inc.
Classification: Uncertain significance for Xeroderma pigmentosum, group C. Last evaluated: 2025-12-04. Review status: criteria provided, single submitter. Criteria: Myriad Autosomal Dominant, Autosomal Recessive and X-Linked Classification Criteria (2023). Collection method: clinical testing. Allele origin: unknown.
Comment: NM_004628.4(XPC):c.2731dupG(E911Gfs*28) is a frameshift variant classified as a variant of uncertain significance in the context of xeroderma pigmentosum group C. E911Gfs*28 has not been observed in cases with relevant disease. Relevant functional assessments of this variant are not available in the literature. E911Gfs*28 has not been observed in referenced population frequency databases. In summary, there is insufficient evidence to classify NM_004628.4(XPC):c.2731dupG(E911Gfs*28) as pathogenic or benign. Please note: this variant was assessed in the context of healthy population screening.

NM_004628.5(XPC):c.2731dup (p.Glu911fs)

Gene: XPC (XPC complex subunit, DNA damage recognition and repair factor; minus strand). Cytogenetic location: 3p25.1.
Variant type: Duplication.
Coding change: c.2731dup on transcript NM_004628.5 (MANE Select); coding-DNA position 2731, one base duplicated (G; older notation c.2731dupG).
Protein change: p.Glu911fs; shifts the reading frame from glutamic acid 911.
Molecular consequence: frameshift variant. On other transcripts: non-coding transcript variant (2).
Genome position (GRCh38, 1-based): chr3:14,146,033, C duplicated on the plus strand (G on the coding strand, the reverse complement: XPC is on the minus strand). VCF-style (leftmost placement, unchanged base first): chr3-14146032-T-TC. GRCh37 (hg19) VCF-style: chr3-14187532-T-TC.
Other names: c.2152dup, p.Glu718fs (NM_001354726.2); c.2725dup, p.Glu909fs (NM_001354727.2); c.2713dup, p.Glu905fs (NM_001354729.2); c.2485dup, p.Glu829fs (NM_001354730.2); short protein forms E905fs, E909fs, E718fs, E829fs, E911fs.
Identifiers: ClinVar variation 5004313 (VCV005004313.1).